The following is an entry in ClinVar:

NM_021267.5(CERS1):c.1009G>C (p.Glu337Gln)

Genes: CERS1 (ceramide synthase 1; minus strand), GDF1 (growth differentiation factor 1; minus strand). Cytogenetic location: 19p13.11.
Variant type: single nucleotide variant.
Coding change: c.1009G>C on transcript NM_021267.5 (MANE Select); coding-DNA position 1009, G replaced by C.
Protein change: p.Glu337Gln; replaces glutamic acid 337 with glutamine.
Molecular consequence: missense variant. On other transcripts: 5 prime UTR variant (1), intron variant (1).
Genome position (GRCh38, 1-based): chr19:18,878,931, C>G on the plus strand (G>C on the coding strand, the complement: CERS1 is on the minus strand). VCF-style: chr19-18878931-C-G. GRCh37 (hg19) VCF-style: chr19-18989740-C-G.
Other names: c.715G>C, p.Glu239Gln (NM_001290265.2, NM_001387442.1, NM_001387443.1 and 2 more transcripts); c.1009G>C, p.Glu337Gln (NM_001387439.1, NM_001387440.1, NM_198207.3); c.964G>C, p.Glu322Gln (NM_001387441.1); c.-314G>C (NM_001492.6); c.-313+5156G>C (NM_001387438.1); short protein forms E322Q, E239Q, E337Q.
Identifiers: ClinVar variation 1462107 (VCV001462107.6), dbSNP rs761766419, ClinGen allele CA404865133.

ClinVar aggregate classification (germline): Uncertain significance (1 of 4 stars; one submission).

Conditions:
Progressive myoclonic epilepsy type 8. Identifiers: Orphanet 424027, MedGen C5190825, MONDO:0014545, OMIM 616230.

gnomAD v4.1: 4 of 1,613,442 alleles (0.00025%); highest among the groups gnomAD compares: Non-Finnish European, 0.00034%; no homozygotes.

Submission:

Labcorp Genetics (formerly Invitae), Labcorp
Classification: Uncertain significance for Progressive myoclonic epilepsy type 8. Last evaluated: 2022-01-06. Review status: criteria provided, single submitter. Criteria: Invitae Variant Classification Sherloc (09022015). Collection method: clinical testing. Allele origin: germline.
Comment: In summary, the available evidence is currently insufficient to determine the role of this variant in disease. Therefore, it has been classified as a Variant of Uncertain Significance. Algorithms developed to predict the effect of missense changes on protein structure and function (SIFT, PolyPhen-2, Align-GVGD) all suggest that this variant is likely to be tolerated. This sequence change replaces glutamic acid, which is acidic and polar, with glutamine, which is neutral and polar, at codon 337 of the CERS1 protein (p.Glu337Gln). This variant is present in population databases (no rsID available, gnomAD 0.002%). This variant has not been reported in the literature in individuals affected with CERS1-related conditions.